The following is an entry in ClinVar:

NM_001164508.2(NEB):c.13381C>T (p.Gln4461Ter)

Gene: NEB (nebulin; minus strand). Cytogenetic location: 2q23.3.
Variant type: single nucleotide variant.
Coding change: c.13381C>T on transcript NM_001164508.2 (MANE Select); coding-DNA position 13381, C replaced by T.
Protein change: p.Gln4461Ter; replaces glutamine 4461 with a stop codon.
Molecular consequence: nonsense. On other transcripts: intron variant (1).
Genome position (GRCh38, 1-based): chr2:151,601,996, G>A on the plus strand (C>T on the coding strand, the complement: NEB is on the minus strand). VCF-style: chr2-151601996-G-A. GRCh37 (hg19) VCF-style: chr2-152458510-G-A.
Other names: c.13381C>T, p.Gln4461Ter (NM_001164507.2, NM_001271208.2); c.11601+7813C>T (NM_004543.5); short protein forms Q4461*.
Identifiers: ClinVar variation 2697604 (VCV002697604.3), dbSNP rs2552220880, ClinGen allele CA348769485.

ClinVar aggregate classification (germline): Pathogenic (1 of 4 stars; one submission).

Conditions:
Nemaline myopathy 2 (NEM2). Also called: Nemaline myopathy 2, autosomal recessive. Identifiers: MedGen C1850569, MONDO:0009725, OMIM 256030.

Submission:

Labcorp Genetics (formerly Invitae), Labcorp
Classification: Pathogenic for Nemaline myopathy 2. Last evaluated: 2023-11-20. Review status: criteria provided, single submitter. Criteria: Invitae Variant Classification Sherloc (09022015). Collection method: clinical testing. Allele origin: germline.
Comment: This variant occurs in a region of NEB (Exons 82-105) consisting of three highly homologous 8-exon repeat units (exons 82-89, exons 90-97, exons 98-105). Sequence variants in this region can be detected, but this assay cannot determine which of the three repeat units is affected, and zygosity is often ambiguous. All variants in this region are reported relative to the exon 82-89 repeat. This sequence change creates a premature translational stop signal (p.Gln4461*) in the NEB gene. It is expected to result in an absent or disrupted protein product. Loss-of-function variants in NEB are known to be pathogenic (PMID: 25205138). The frequency data for this variant in the population databases (gnomAD) is considered unreliable due to the presence of homologous sequence, such as pseudogenes or paralogs, in the genome. This variant has not been reported in the literature in individuals affected with NEB-related conditions. For these reasons, this variant has been classified as Pathogenic.

Literature cited by the submitters: PubMed 25205138.